The following is an entry in ClinVar:

ClinVar aggregate classification (germline): Likely benign. Review status: criteria provided, multiple submitters, no conflicts (2 of 4 stars). 3 submissions from 3 submitters: Likely benign (2). 1 of the submissions does not count toward it. Last evaluated 2026-01-20.

Conditions:
ASPA-related disorder. Also called: ASPA-related condition.
Spongy degeneration of central nervous system. Also called: Von Bogaert-Bertrand disease; ACY2 DEFICIENCY; AMINOACYLASE 2 DEFICIENCY; ASP DEFICIENCY; ASPA DEFICIENCY; ASPARTOACYLASE DEFICIENCY. Identifiers: Orphanet 141, MedGen C0206307, MONDO:0010079, OMIM 271900.

Allele frequency attached by ClinVar (database versions not stated): TOPMed 0.00006; gnomAD exomes 0.00009 and 0.00018; gnomAD 0.00007 and 0.00008; ExAC 0.00023.
gnomAD v4.1: 153 of 1,614,004 alleles (0.0095%); highest among the groups gnomAD compares: Non-Finnish European, 0.0056%; 1 homozygote.

Submissions (3):

Labcorp Genetics (formerly Invitae), Labcorp
Classification: Likely benign for Spongy degeneration of central nervous system. Last evaluated: 2026-01-20. Review status: criteria provided, single submitter. Criteria: Invitae Variant Classification Sherloc (09022015). Collection method: clinical testing. Allele origin: germline.

Blueprint Genetics
Classification: Likely benign. Last evaluated: 2024-09-04. Review status: criteria provided, single submitter. Criteria: ACMG Guidelines, 2015. Collection method: clinical testing. Allele origin: germline.

PreventionGenetics, part of Exact Sciences
Classification: Likely benign for ASPA-related condition. Last evaluated: 2024-03-11. Review status: no assertion criteria provided. Collection method: clinical testing. Allele origin: germline. Not counted in ClinVar's aggregate classification.
Comment: This variant is classified as likely benign based on ACMG/AMP sequence variant interpretation guidelines (Richards et al. 2015 PMID: 25741868, with internal and published modifications).

NM_000049.4(ASPA):c.912T>C (p.Asn304=)

Genes: ASPA (aspartoacylase; plus strand), SPATA22 (spermatogenesis associated 22; minus strand). Cytogenetic location: 17p13.2.
Variant type: single nucleotide variant.
Coding change: c.912T>C on transcript NM_000049.4 (MANE Select); coding-DNA position 912, T replaced by C.
Protein change: p.Asn304=; no amino-acid change (asparagine 304 retained).
Molecular consequence: synonymous variant. On other transcripts: intron variant (2).
Genome position (GRCh38, 1-based): chr17:3,499,058, T>C. VCF-style: chr17-3499058-T-C. GRCh37 (hg19) VCF-style: chr17-3402352-T-C.
Other names: c.912T>C, p.Asn304= (NM_001128085.1); c.-74+14354A>G (NM_001321336.2, NM_001321337.2).
Identifiers: ClinVar variation 700446 (VCV000700446.13), dbSNP rs750991168, ClinGen allele CA8289064.
Genomic context (GRCh38, chr17:3,499,058, plus strand): 5'-TGAGGCCGCATATTACGAAAAGAAAGAAGCTTTTGCAAAGACAACTAAACTAACGCTCAA[T>C]GCAAAAAGTATTCGCTGCTGTTTACATTAGAAATCACTTCCAGCTTACATCTTACACGGT-3'
Protein context (NP_000040.1, residues 294-313): AFAKTTKLTL[Asn304=]AKSIRCCLH